The following is an entry in ClinVar:

ClinVar aggregate classification (germline): Benign. Review status: criteria provided, multiple submitters, no conflicts (2 of 4 stars). 12 submissions from 12 submitters: Benign (10). 2 of the submissions do not count toward it. Last evaluated 2026-02-01.

Conditions:
Hereditary insensitivity to pain with anhidrosis (CIPA). Also called: HSAN Type IV; FAMILIAL DYSAUTONOMIA, TYPE II; NTRK1 Congenital Insensitivity to Pain with Anhidrosis; hereditary sensory and autonomic neuropathy type 4; INSENSITIVITY TO PAIN, CONGENITAL, WITH ANHIDROSIS; NEUROPATHY, CONGENITAL SENSORY, WITH ANHIDROSIS. Identifiers: Orphanet 642, MedGen C0020074, MONDO:0009746, OMIM 256800.

Allele frequency attached by ClinVar (database versions not stated): gnomAD 0.01791 and 0.01662; TOPMed 0.01853; gnomAD exomes 0.00401; ExAC 0.00871; ESP Exome Variant Server 0.01659; 1000 Genomes Project 0.01737; 1000 Genomes Project 30x 0.01765.
gnomAD v4.1: 4,881 of 1,550,790 alleles (0.31%); highest among the groups gnomAD compares: African/African-American, 5.7%; 132 homozygotes.

Submissions (12):

Labcorp Genetics (formerly Invitae), Labcorp
Classification: Benign for Hereditary insensitivity to pain with anhidrosis. Last evaluated: 2026-02-01. Review status: criteria provided, single submitter. Criteria: Invitae Variant Classification Sherloc (09022015). Collection method: clinical testing. Allele origin: germline.

ARUP Laboratories, Molecular Genetics and Genomics, ARUP Laboratories
Classification: Benign for Hereditary insensitivity to pain with anhidrosis. Last evaluated: 2024-10-15. Review status: criteria provided, single submitter. Criteria: ARUP Molecular Germline Variant Investigation Process 2024. Collection method: clinical testing. Allele origin: germline.

KCCC/NGS Laboratory, Kuwait Cancer Control Center
Classification: Benign for Hereditary insensitivity to pain with anhidrosis. Last evaluated: 2023-07-07. Review status: criteria provided, single submitter. Criteria: ACMG Guidelines, 2015. Collection method: clinical testing. Allele origin: germline. Affected: yes.

Genome-Nilou Lab
Classification: Benign for Hereditary insensitivity to pain with anhidrosis. Last evaluated: 2023-04-11. Review status: criteria provided, single submitter. Criteria: ACMG Guidelines, 2015. Collection method: clinical testing. Allele origin: germline. Affected: no.

Illumina Laboratory Services, Illumina
Classification: Benign for Hereditary insensitivity to pain with anhidrosis. Last evaluated: 2018-01-13. Review status: criteria provided, single submitter. Criteria: ICSL Variant Classification Criteria 13 December 2019. Collection method: clinical testing. Allele origin: germline.
Comment: This variant was observed in the ICSL laboratory as part of a predisposition screen in an ostensibly healthy population. It had not been previously curated by ICSL or reported in the Human Gene Mutation Database (HGMD: prior to June 1st, 2018), and was therefore a candidate for classification through an automated scoring system. Utilizing variant allele frequency, disease prevalence and penetrance estimates, and inheritance mode, an automated score was calculated to assess if this variant is too frequent to cause the disease. Based on the score and internal cut-off values, a variant classified as benign is not then subjected to further curation. The score for this variant resulted in a classification of benign for this disease.

Mayo Clinic Laboratories, Mayo Clinic
Classification: Benign. Last evaluated: 2016-05-13. Review status: criteria provided, single submitter. Criteria: ACMG Guidelines, 2015. Collection method: clinical testing. Allele origin: germline. Observed: 14 variant alleles.

Center for Pediatric Genomic Medicine, Children's Mercy Hospital and Clinics
Classification: Benign. Last evaluated: 2015-09-28. Review status: criteria provided, single submitter. Criteria: ACMG Guidelines, 2015. Collection method: clinical testing. Allele origin: germline.

GeneDx
Classification: Benign. Last evaluated: 2015-06-05. Review status: criteria provided, single submitter. Criteria: GeneDx Variant Classification (06012015). Collection method: clinical testing. Allele origin: germline. Affected: yes.
Comment: This variant is considered likely benign or benign based on one or more of the following criteria: it is a conservative change, it occurs at a poorly conserved position in the protein, it is predicted to be benign by multiple in silico algorithms, and/or has population frequency not consistent with disease.

Eurofins Ntd Llc (ga)
Classification: Benign. Last evaluated: 2015-05-26. Review status: criteria provided, single submitter. Criteria: EGL Classification Definitions 2015. Collection method: clinical testing. Allele origin: germline. Observed: 1 variant allele, 1 heterozygote.

Breakthrough Genomics
Classification: Benign. Review status: criteria provided, single submitter. Criteria: ACMG Guidelines, 2015. Collection method: not provided. Allele origin: germline. Inheritance: Autosomal recessive inheritance. Affected: yes.

Natera, Inc.
Classification: Benign for Hereditary insensitivity to pain with anhidrosis. Last evaluated: 2020-09-16. Review status: no assertion criteria provided. Collection method: clinical testing. Allele origin: germline. Not counted in ClinVar's aggregate classification.

Counsyl
Classification: Benign for Hereditary insensitivity to pain with anhidrosis. Last evaluated: 2017-03-06. Review status: no assertion criteria provided. Collection method: clinical testing. Allele origin: unknown. Not counted in ClinVar's aggregate classification.

NM_002529.4(NTRK1):c.710C>T (p.Thr237Met)

Gene: NTRK1 (neurotrophic receptor tyrosine kinase 1; plus strand). Cytogenetic location: 1q23.1.
Variant type: single nucleotide variant.
Coding change: c.710C>T on transcript NM_002529.4 (MANE Select); coding-DNA position 710, C replaced by T.
Protein change: p.Thr237Met; replaces threonine 237 with methionine.
Molecular consequence: missense variant.
Genome position (GRCh38, 1-based): chr1:156,868,640, C>T. VCF-style: chr1-156868640-C-T. GRCh37 (hg19) VCF-style: chr1-156838432-C-T.
Other names: c.620C>T, p.Thr207Met (NM_001007792.1); c.710C>T, p.Thr237Met (NM_001012331.2); short protein forms T207M, T237M.
Identifiers: ClinVar variation 198111 (VCV000198111.32), dbSNP rs55909005, ClinGen allele CA203254.
Genomic context (GRCh38, chr1:156,868,640, plus strand): 5'-TGGAGGGGCGGGGCCTGGAGCAGGCCGGCTGGATCCTCACAGAGCTGGAGCAGTCAGCCA[C>T]GGTGATGGTGAGAAGACCTTCGCTGGCAGCCCCCAAGAGGTCCAGGCAGAGCACAGGGGA-3'
Protein context (NP_002520.2, residues 227-247): WILTELEQSA[Thr237Met]VMKSGGLPSL